The following is an entry in ClinVar:

NM_002067.5(GNA11):c.487G>A (p.Asp163Asn)

Gene: GNA11 (G protein subunit alpha 11; plus strand). Cytogenetic location: 19p13.3.
Variant type: single nucleotide variant.
Coding change: c.487G>A on transcript NM_002067.5 (MANE Select); coding-DNA position 487, G replaced by A.
Protein change: p.Asp163Asn; replaces aspartic acid 163 with asparagine.
Molecular consequence: missense variant.
Genome position (GRCh38, 1-based): chr19:3,114,954, G>A. VCF-style: chr19-3114954-G-A. GRCh37 (hg19) VCF-style: chr19-3114952-G-A.
Other names: short protein forms D163N.
Identifiers: ClinVar variation 2169769 (VCV002169769.4), dbSNP rs2145320689, ClinGen allele CA403307583.

ClinVar aggregate classification (germline): Uncertain significance (1 of 4 stars; one submission).

Allele frequency attached by ClinVar (database versions not stated): gnomAD exomes below 0.00001.
gnomAD v4.1: 5 of 1,611,616 alleles (0.00031%); highest among the groups gnomAD compares: East Asian, 0.0022%; no homozygotes.

Submission:

Labcorp Genetics (formerly Invitae), Labcorp
Classification: Uncertain significance. Last evaluated: 2022-09-02. Review status: criteria provided, single submitter. Criteria: Invitae Variant Classification Sherloc (09022015). Collection method: clinical testing. Allele origin: germline.
Comment: This variant is not present in population databases (gnomAD no frequency). This sequence change replaces aspartic acid, which is acidic and polar, with asparagine, which is neutral and polar, at codon 163 of the GNA11 protein (p.Asp163Asn). This variant has not been reported in the literature in individuals affected with GNA11-related conditions. In summary, the available evidence is currently insufficient to determine the role of this variant in disease. Therefore, it has been classified as a Variant of Uncertain Significance. Algorithms developed to predict the effect of missense changes on protein structure and function (SIFT, PolyPhen-2, Align-GVGD) all suggest that this variant is likely to be tolerated.